The following is an entry in ClinVar:

ClinVar aggregate classification (germline): Uncertain significance (1 of 4 stars; one submission).

Conditions:
Autosomal dominant nocturnal frontal lobe epilepsy 5. Also called: Epilepsy, nocturnal frontal lobe, 5; CILIARY DYSKINESIA, PRIMARY, 28, WITHOUT SITUS INVERSUS; CILIARY DYSKINESIA, PRIMARY, 28, WITH SITUS INVERSUS; KCNT1-Related Epilepsy. Identifiers: Orphanet 98784, MedGen C3554306, MONDO:0014002, OMIM 615005.
Developmental and epileptic encephalopathy, 14 (DEE14). Also called: Early infantile epileptic encephalopathy 14. Identifiers: Orphanet 293181, MedGen C3554195, MONDO:0013989, OMIM 614959.

Allele frequency attached by ClinVar (database versions not stated): gnomAD exomes 0.00001; ExAC 0.00006.
gnomAD v4.1: 5 of 1,393,300 alleles (0.00036%); highest among the groups gnomAD compares: South Asian, 0.0069%; no homozygotes.

Submission:

Labcorp Genetics (formerly Invitae), Labcorp
Classification: Uncertain significance for Autosomal dominant nocturnal frontal lobe epilepsy 5; Developmental and epileptic encephalopathy, 14. Last evaluated: 2025-02-05. Review status: criteria provided, single submitter. Criteria: Invitae Variant Classification Sherloc (09022015). Collection method: clinical testing. Allele origin: germline.
Comment: This sequence change falls in intron 2 of the KCNT1 gene. It does not directly change the encoded amino acid sequence of the KCNT1 protein. It affects a nucleotide within the consensus splice site. The frequency data for this variant in the population databases is considered unreliable, as metrics indicate poor data quality at this position in the gnomAD database. This variant has not been reported in the literature in individuals affected with KCNT1-related conditions. ClinVar contains an entry for this variant (Variation ID: 1947161). Variants that disrupt the consensus splice site are a relatively common cause of aberrant splicing (PMID: 17576681, 9536098). Algorithms developed to predict the effect of sequence changes on RNA splicing suggest that this variant is not likely to affect RNA splicing. In summary, the available evidence is currently insufficient to determine the role of this variant in disease. Therefore, it has been classified as a Variant of Uncertain Significance.

Literature cited by the submitters: PubMed 17576681; PubMed 9536098.

NM_020822.3(KCNT1):c.254+3A>G

Gene: KCNT1 (potassium sodium-activated channel subfamily T member 1; plus strand). Cytogenetic location: 9q34.3.
Variant type: single nucleotide variant.
Coding change: c.254+3A>G on transcript NM_020822.3 (MANE Select); 3 bases into the intron after coding-DNA position 254, A replaced by G.
Molecular consequence: intron variant.
Genome position (GRCh38, 1-based): chr9:135,714,723, A>G. VCF-style: chr9-135714723-A-G. GRCh37 (hg19) VCF-style: chr9-138606569-A-G.
Other names: c.110+12355A>G (NM_001272003.2).
Identifiers: ClinVar variation 1947161 (VCV001947161.5), dbSNP rs767127887, ClinGen allele CA5326311.
Genomic context (GRCh38, chr9:135,714,723, plus strand): 5'-CGCGCTACCGCTTCCGGGACCTGCTGCTGGGCGACCCGTCCTTCCAGAACGACGACAGGT[A>G]GGGACCGGGCGCGGGGTGGGGGCTGGGGTCGCCGTCCCGGCGCCGCCGCACGCCCGGAGC-3'